The following is an entry in ClinVar:

ClinVar aggregate classification (germline): Uncertain significance (1 of 4 stars; one submission).

Conditions:
Nemaline myopathy 8 (NEM8). Also called: Nemaline myopathy 8, autosomal recessive. Identifiers: Orphanet 171430, MedGen C3809209, MONDO:0014138, OMIM 615348.

Allele frequency attached by ClinVar (database versions not stated): gnomAD exomes below 0.00001.
gnomAD v4.1: 2 of 1,611,984 alleles (0.00012%); highest among the groups gnomAD compares: Non-Finnish European, 0.00017%; no homozygotes.

Submission:

Labcorp Genetics (formerly Invitae), Labcorp
Classification: Uncertain significance for Nemaline myopathy 8. Last evaluated: 2021-01-31. Review status: criteria provided, single submitter. Criteria: Invitae Variant Classification Sherloc (09022015). Collection method: clinical testing. Allele origin: germline.
Comment: This variant has not been reported in the literature in individuals with KLHL40-related conditions. This sequence change replaces threonine with isoleucine at codon 118 of the KLHL40 protein (p.Thr118Ile). The threonine residue is highly conserved and there is a moderate physicochemical difference between threonine and isoleucine. This variant is not present in population databases (ExAC no frequency). Algorithms developed to predict the effect of missense changes on protein structure and function are either unavailable or do not agree on the potential impact of this missense change (SIFT: "Deleterious"; PolyPhen-2: "Probably Damaging"; Align-GVGD: "Class C15"). In summary, the available evidence is currently insufficient to determine the role of this variant in disease. Therefore, it has been classified as a Variant of Uncertain Significance.

NM_152393.4(KLHL40):c.353C>T (p.Thr118Ile)

Gene: KLHL40 (kelch like family member 40; plus strand). Cytogenetic location: 3p22.1.
Variant type: single nucleotide variant.
Coding change: c.353C>T on transcript NM_152393.4 (MANE Select); coding-DNA position 353, C replaced by T.
Protein change: p.Thr118Ile; replaces threonine 118 with isoleucine.
Molecular consequence: missense variant.
Genome position (GRCh38, 1-based): chr3:42,685,971, C>T. VCF-style: chr3-42685971-C-T. GRCh37 (hg19) VCF-style: chr3-42727463-C-T.
Other names: short protein forms T118I.
Identifiers: ClinVar variation 1406191 (VCV001406191.8), dbSNP rs2125844609, ClinGen allele CA352289202.